The following is an entry in ClinVar:

ClinVar aggregate classification (germline): Uncertain significance (1 of 4 stars; one submission).

gnomAD v4.1: 3 of 1,613,446 alleles (0.00019%); highest among the groups gnomAD compares: East Asian, 0.0022%; no homozygotes.

Submission:

Labcorp Genetics (formerly Invitae), Labcorp
Classification: Uncertain significance. Last evaluated: 2025-12-23. Review status: criteria provided, single submitter. Criteria: Invitae Variant Classification Sherloc (09022015). Collection method: clinical testing. Allele origin: germline.
Comment: This sequence change replaces glycine, which is neutral and non-polar, with glutamic acid, which is acidic and polar, at codon 34 of the HNF1A protein (p.Gly34Glu). This variant is present in population databases (no rsID available, gnomAD 0.006%). This variant has not been reported in the literature in individuals affected with HNF1A-related conditions. Invitae Evidence Modeling of protein sequence and biophysical properties (such as structural, functional, and spatial information, amino acid conservation, physicochemical variation, residue mobility, and thermodynamic stability) indicates that this missense variant is not expected to disrupt HNF1A protein function with a negative predictive value of 80%. In summary, the available evidence is currently insufficient to determine the role of this variant in disease. Therefore, it has been classified as a Variant of Uncertain Significance.

NM_000545.8(HNF1A):c.101G>A (p.Gly34Glu)

Gene: HNF1A (HNF1 homeobox A; plus strand). Cytogenetic location: 12q24.31.
Variant type: single nucleotide variant.
Coding change: c.101G>A on transcript NM_000545.8 (MANE Select); coding-DNA position 101, G replaced by A.
Protein change: p.Gly34Glu; replaces glycine 34 with glutamic acid.
Molecular consequence: missense variant.
Genome position (GRCh38, 1-based): chr12:120,978,869, G>A. VCF-style: chr12-120978869-G-A. GRCh37 (hg19) VCF-style: chr12-121416672-G-A.
Other names: c.101G>A, p.Gly34Glu (NM_001306179.2, NM_001406915.1); short protein forms G34E.
Identifiers: ClinVar variation 4803237 (VCV004803237.1).